The following is an entry in ClinVar:

ClinVar aggregate classification (germline): Uncertain significance (1 of 4 stars; one submission).

Conditions:
Pitt-Hopkins-like syndrome 2 (PTHSL2). Identifiers: Orphanet 221150, Orphanet 600663, MedGen C3280479, MONDO:0013690, OMIM 614325.

Allele frequency attached by ClinVar (database versions not stated): gnomAD exomes below 0.00001.
gnomAD v4.1: 1 of 1,612,380 alleles (0.000062%); highest among the groups gnomAD compares: Non-Finnish European, 0.000085%; no homozygotes.

Submission:

Labcorp Genetics (formerly Invitae), Labcorp
Classification: Uncertain significance for Pitt-Hopkins-like syndrome 2. Last evaluated: 2024-02-24. Review status: criteria provided, single submitter. Criteria: Invitae Variant Classification Sherloc (09022015). Collection method: clinical testing. Allele origin: germline.
Comment: This sequence change replaces aspartic acid, which is acidic and polar, with glutamic acid, which is acidic and polar, at codon 131 of the NRXN1 protein (p.Asp131Glu). This variant is present in population databases (no rsID available, gnomAD 0.0009%). This variant has not been reported in the literature in individuals affected with NRXN1-related conditions. ClinVar contains an entry for this variant (Variation ID: 1035274). An algorithm developed to predict the effect of missense changes on protein structure and function (PolyPhen-2) suggests that this variant is likely to be disruptive. In summary, the available evidence is currently insufficient to determine the role of this variant in disease. Therefore, it has been classified as a Variant of Uncertain Significance.

NM_001330078.2(NRXN1):c.393C>G (p.Asp131Glu)

Gene: NRXN1 (neurexin 1; minus strand). Cytogenetic location: 2p16.3.
Variant type: single nucleotide variant.
Coding change: c.393C>G on transcript NM_001330078.2 (MANE Select); coding-DNA position 393, C replaced by G.
Protein change: p.Asp131Glu; replaces aspartic acid 131 with glutamic acid.
Molecular consequence: missense variant.
Genome position (GRCh38, 1-based): chr2:51,027,881, G>C on the plus strand (C>G on the coding strand, the complement: NRXN1 is on the minus strand). VCF-style: chr2-51027881-G-C. GRCh37 (hg19) VCF-style: chr2-51255019-G-C.
Other names: c.393C>G, p.Asp131Glu (NM_001135659.3, NM_001330077.2, NM_001330079.2 and 15 more transcripts); short protein forms D131E.
Identifiers: ClinVar variation 1035274 (VCV001035274.9), dbSNP rs1159527007, ClinGen allele CA346824098.
Genomic context (GRCh38, chr2:51,027,881, plus strand): 5'-GCTGAACACCGTCATGTCCCTGCGCTTGGACTTGACCTCCACCCACTTGGCCTCCACCTG[G>C]TCGATGAAGAGCGTGGTGTTGCGGAACTGGCGGCGGATGCGCACGCTGTGCCAGGCGCCG-3'
Protein context (NP_001317007.1, residues 121-141): RQFRNTTLFI[Asp131Glu]QVEAKWVEVK